The following is an entry in ClinVar:

NM_001278116.2(L1CAM):c.807-2A>C

Gene: L1CAM (L1 cell adhesion molecule; minus strand). Cytogenetic location: Xq28.
Variant type: single nucleotide variant.
Coding change: c.807-2A>C on transcript NM_001278116.2 (MANE Select); the canonical splice acceptor site of the intron before coding-DNA position 807, A replaced by C.
Molecular consequence: splice acceptor variant.
Genome position (GRCh38, 1-based): chrX:153,870,242, T>G on the plus strand (A>C on the coding strand, the complement: L1CAM is on the minus strand). VCF-style: chrX-153870242-T-G. GRCh37 (hg19) VCF-style: chrX-153135697-T-G.
Other names: c.792-2A>C (NM_001143963.2); c.807-2A>C (NM_024003.3, NM_000425.5).
Identifiers: ClinVar variation 5037694 (VCV005037694.1).

ClinVar aggregate classification (germline): Pathogenic (1 of 4 stars; one submission).

Submission:

GeneDx
Classification: Pathogenic. Last evaluated: 2026-04-25. Review status: criteria provided, single submitter. Criteria: GeneDx Variant Classification Process June 2021. Collection method: clinical testing. Allele origin: germline.
Comment: Canonical splice site variant predicted to result in a null allele in a gene for which loss of function is a known mechanism of disease; Not observed at significant frequency in large population cohorts (gnomAD); Has not been previously published as pathogenic or benign to our knowledge